The following is an entry in ClinVar:

NM_020163.3(SEMA3G):c.182T>C (p.Met61Thr)

Gene: SEMA3G (semaphorin 3G; minus strand). Cytogenetic location: 3p21.1.
Variant type: single nucleotide variant.
Coding change: c.182T>C on transcript NM_020163.3 (MANE Select); coding-DNA position 182, T replaced by C.
Protein change: p.Met61Thr; replaces methionine 61 with threonine.
Molecular consequence: missense variant.
Genome position (GRCh38, 1-based): chr3:52,442,841, A>G on the plus strand (T>C on the coding strand, the complement: SEMA3G is on the minus strand). VCF-style: chr3-52442841-A-G. GRCh37 (hg19) VCF-style: chr3-52476857-A-G.
Other names: c.182T>C (NM_020163.1); short protein forms M61T.
Identifiers: ClinVar variation 3354488 (VCV003354488.3).
Genomic context (GRCh38, chr3:52,442,841, plus strand): 5'-AGAGAGTAGAGGGCGTCCAGGCCACCCAGAAAGAGGCGGTCTCGGTACTCATCTAGGTAC[A>G]TGGCCTGGAGGTTCAGGGAGCCCTGGGGGCCCAGAAAGATGGCAGAGCGGTTGGCAGACA-3'
Protein context (NP_064548.1, residues 51-71): GPQGSLNLQA[Met61Thr]YLDEYRDRLF

ClinVar aggregate classification (germline): Uncertain significance. Review status: criteria provided, multiple submitters, no conflicts (2 of 4 stars). 2 submissions from 2 submitters: Uncertain significance (2). Last evaluated 2026-08-04.

Conditions:
SEMA3G-related disorder. Also called: SEMA3G-related condition.

gnomAD v4.1: 8 of 1,612,412 alleles (0.0005%); highest among the groups gnomAD compares: East Asian, 0.0022%; no homozygotes.

Submissions (2):

PreventionGenetics, part of Exact Sciences
Classification: Uncertain significance for SEMA3G-related condition. Last evaluated: 2026-08-04. Review status: criteria provided, single submitter. Criteria: ACMG Guidelines, 2015. Collection method: clinical testing. Allele origin: germline.
Comment: The SEMA3G c.182T>C variant is predicted to result in the amino acid substitution p.Met61Thr. To our knowledge, this variant has not been reported in the literature. This variant is reported in 0.0055% of alleles in individuals of East Asian descent in gnomAD. At this time, the clinical significance of this variant is uncertain due to the absence of conclusive functional and genetic evidence.

Ambry Genetics
Classification: Uncertain significance. Last evaluated: 2025-03-27. Review status: criteria provided, single submitter. Criteria: Ambry Variant Classification Scheme 2023. Collection method: clinical testing. Allele origin: germline.